The following is an entry in ClinVar:

NM_002907.4(RECQL):c.1296G>A (p.Met432Ile)

Gene: RECQL (RecQ like helicase; minus strand). Cytogenetic location: 12p12.1.
Variant type: single nucleotide variant.
Coding change: c.1296G>A on transcript NM_002907.4 (MANE Select); coding-DNA position 1296, G replaced by A.
Protein change: p.Met432Ile; replaces methionine 432 with isoleucine.
Molecular consequence: missense variant.
Genome position (GRCh38, 1-based): chr12:21,474,900, C>T on the plus strand (G>A on the coding strand, the complement: RECQL is on the minus strand). VCF-style: chr12-21474900-C-T. GRCh37 (hg19) VCF-style: chr12-21627834-C-T.
Other names: c.1296G>A (NM_002907.3); c.1296G>A, p.Met432Ile (NM_032941.3); short protein forms M432I.
Identifiers: ClinVar variation 1522341 (VCV001522341.7), dbSNP rs2137333525, ClinGen allele CA384118437.

ClinVar aggregate classification (germline): Uncertain significance. Review status: criteria provided, multiple submitters, no conflicts (2 of 4 stars). 2 submissions from 2 submitters: Uncertain significance (2). Last evaluated 2024-08-24.

gnomAD v4.1: 1 of 1,613,206 alleles (0.000062%); no homozygotes.

Submissions (2):

Ambry Genetics
Classification: Uncertain significance. Last evaluated: 2024-08-24. Review status: criteria provided, single submitter. Criteria: Ambry Variant Classification Scheme 2023. Collection method: clinical testing. Allele origin: germline.
Comment: The p.M432I variant (also known as c.1296G>A), located in coding exon 10 of the RECQL gene, results from a G to A substitution at nucleotide position 1296. The methionine at codon 432 is replaced by isoleucine, an amino acid with highly similar properties. This amino acid position is conserved. In addition, the in silico prediction for this alteration is inconclusive. Based on the available evidence, the clinical significance of this variant remains unclear.

Labcorp Genetics (formerly Invitae), Labcorp
Classification: Uncertain significance. Last evaluated: 2021-11-12. Review status: criteria provided, single submitter. Criteria: Invitae Variant Classification Sherloc (09022015). Collection method: clinical testing. Allele origin: germline.
Comment: This variant has not been reported in the literature in individuals affected with RECQL-related conditions. This variant is not present in population databases (gnomAD no frequency). This sequence change replaces methionine, which is neutral and non-polar, with isoleucine, which is neutral and non-polar, at codon 432 of the RECQL protein (p.Met432Ile). Algorithms developed to predict the effect of missense changes on protein structure and function are either unavailable or do not agree on the potential impact of this missense change (SIFT: "Tolerated"; PolyPhen-2: "Possibly Damaging"; Align-GVGD: "Class C0"). In summary, the available evidence is currently insufficient to determine the role of this variant in disease. Therefore, it has been classified as a Variant of Uncertain Significance.